The following is an entry in ClinVar:

ClinVar aggregate classification (germline): Uncertain significance. Review status: criteria provided, multiple submitters, no conflicts (2 of 4 stars). 3 submissions from 3 submitters: Uncertain significance (3). Last evaluated 2025-05-07.

Allele frequency attached by ClinVar (database versions not stated): gnomAD exomes below 0.00001; TOPMed 0.00002.
gnomAD v4.1: 3 of 1,614,156 alleles (0.00019%); highest among the groups gnomAD compares: Admixed American, 0.005%; no homozygotes.

Submissions (3):

Ambry Genetics
Classification: Uncertain significance. Last evaluated: 2025-05-07. Review status: criteria provided, single submitter. Criteria: Ambry Variant Classification Scheme 2023. Collection method: clinical testing. Allele origin: germline.
Comment: The p.P57S variant (also known as c.169C>T), located in coding exon 1 of the RNF43 gene, results from a C to T substitution at nucleotide position 169. The proline at codon 57 is replaced by serine, an amino acid with similar properties. This amino acid position is conserved. In addition, this alteration is predicted to be tolerated by in silico analysis. Based on the available evidence, the clinical significance of this variant remains unclear.

Labcorp Genetics (formerly Invitae), Labcorp
Classification: Uncertain significance. Last evaluated: 2025-04-24. Review status: criteria provided, single submitter. Criteria: Invitae Variant Classification Sherloc (09022015). Collection method: clinical testing. Allele origin: germline.
Comment: This sequence change replaces proline, which is neutral and non-polar, with serine, which is neutral and polar, at codon 57 of the RNF43 protein (p.Pro57Ser). This variant is present in population databases (no rsID available, gnomAD 0.006%). This variant has not been reported in the literature in individuals affected with RNF43-related conditions. ClinVar contains an entry for this variant (Variation ID: 2890188). An algorithm developed to predict the effect of missense changes on protein structure and function (PolyPhen-2) suggests that this variant is likely to be disruptive. In summary, the available evidence is currently insufficient to determine the role of this variant in disease. Therefore, it has been classified as a Variant of Uncertain Significance.

GeneDx
Classification: Uncertain significance. Last evaluated: 2024-03-01. Review status: criteria provided, single submitter. Criteria: GeneDx Variant Classification Process June 2021. Collection method: clinical testing. Allele origin: germline. Affected: yes.
Comment: Not observed at significant frequency in large population cohorts (gnomAD); In silico analysis supports that this missense variant has a deleterious effect on protein structure/function; Has not been previously published as pathogenic or benign to our knowledge; Variants in candidate genes are classified as variants of uncertain significance in accordance with ACMG guidelines (PMID: 25741868)

NM_017763.6(RNF43):c.169C>T (p.Pro57Ser)

Gene: RNF43 (ring finger protein 43; minus strand). Cytogenetic location: 17q22.
Variant type: single nucleotide variant.
Coding change: c.169C>T on transcript NM_017763.6 (MANE Select); coding-DNA position 169, C replaced by T.
Protein change: p.Pro57Ser; replaces proline 57 with serine.
Molecular consequence: missense variant.
Genome position (GRCh38, 1-based): chr17:58,415,409, G>A on the plus strand (C>T on the coding strand, the complement: RNF43 is on the minus strand). VCF-style: chr17-58415409-G-A. GRCh37 (hg19) VCF-style: chr17-56492770-G-A.
Other names: c.169C>T, p.Pro57Ser (NM_001305544.3); short protein forms P57S.
Identifiers: ClinVar variation 2890188 (VCV002890188.5), dbSNP rs1490147745, ClinGen allele CA400358238.